The following is an entry in ClinVar:

NM_002609.4(PDGFRB):c.1495C>T (p.His499Tyr)

Gene: PDGFRB (platelet derived growth factor receptor beta; minus strand). Cytogenetic location: 5q32.
Variant type: single nucleotide variant.
Coding change: c.1495C>T on transcript NM_002609.4 (MANE Select); coding-DNA position 1495, C replaced by T.
Protein change: p.His499Tyr; replaces histidine 499 with tyrosine.
Molecular consequence: missense variant.
Genome position (GRCh38, 1-based): chr5:150,129,841, G>A on the plus strand (C>T on the coding strand, the complement: PDGFRB is on the minus strand). VCF-style: chr5-150129841-G-A. GRCh37 (hg19) VCF-style: chr5-149509404-G-A.
Other names: c.1303C>T, p.His435Tyr (NM_001355016.2); c.1012C>T, p.His338Tyr (NM_001355017.2); short protein forms H338Y, H435Y, H499Y.
Identifiers: ClinVar variation 3600499 (VCV003600499.1).

ClinVar aggregate classification (germline): Uncertain significance (1 of 4 stars; one submission).

Conditions:
Skeletal overgrowth-craniofacial dysmorphism-hyperelastic skin-white matter lesions syndrome. Also called: SKELETAL OVERGROWTH WITH FACIAL DYSMORPHISM, HYPERELASTIC SKIN, WHITE MATTER LESIONS, AND NEUROLOGIC DETERIORATION; Kosaki overgrowth syndrome. Identifiers: Orphanet 477831, MedGen C4225270, MONDO:0014704, OMIM 616592.

gnomAD v4.1: 1 of 1,614,148 alleles (0.000062%); no homozygotes.

Submission:

Clinical Genomics Laboratory, Washington University in St. Louis
Classification: Uncertain significance for Skeletal overgrowth-craniofacial dysmorphism-hyperelastic skin-white matter lesions syndrome. Last evaluated: 2024-06-26. Review status: criteria provided, single submitter. Criteria: ACMG Guidelines, 2015. Collection method: clinical testing. Allele origin: germline.
Comment: A PDGFRB c.1495C>T (p.His499Tyr) variant was identified at a near heterozygous allelic fraction of 50.7%, a frequency which may be consistent with it being of germline origin. This variant, to our knowledge, has not been reported in the medical literature and is only observed on 1/1,614,148 alleles in the general population (gnomAD v4.1.0), indicating it is not a common variant. Computational predictors suggest that the variant does not impact PDGFRB function. Due to limited information and based on ACMG/AMP guidelines for variant interpretation (Richards S et al., PMID: 25741868), the clinical significance of this variant is uncertain at this time.